The following is an entry in ClinVar:

ClinVar aggregate classification (germline): Conflicting classifications of pathogenicity. Review status: criteria provided, conflicting classifications (1 of 4 stars). 2 submissions from 2 submitters: Uncertain significance (1); Likely benign (1). Last evaluated 2022-09-07.

Conditions:
Hereditary sensory and autonomic neuropathy type 6. Also called: Neuropathy, hereditary sensory and autonomic, type VI; HSAN VI. Identifiers: Orphanet 314381, MedGen C3539003, MONDO:0013839, OMIM 614653.
Epidermolysis bullosa simplex 3, localized or generalized intermediate, with BP230 deficiency (EBS3). Also called: Epidermolysis bullosa simplex due to BP230 deficiency; Epidermolysis bullosa simplex, autosomal recessive 2. Identifiers: Orphanet 412181, MedGen C3809470, MONDO:0014180, OMIM 615425.
Inborn genetic diseases. Identifiers: MedGen C0950123, MeSH D030342.

Allele frequency attached by ClinVar (database versions not stated): gnomAD exomes 0.00001 and 0.00002; ExAC 0.00002; gnomAD 0.00006 and 0.00007; TOPMed 0.00017; 1000 Genomes Project 0.00020; 1000 Genomes Project 30x 0.00031.
gnomAD v4.1: 24 of 1,613,196 alleles (0.0015%); highest among the groups gnomAD compares: Admixed American, 0.033%; no homozygotes.

Submissions (2):

Labcorp Genetics (formerly Invitae), Labcorp
Classification: Uncertain significance for Epidermolysis bullosa simplex 3, localized or generalized intermediate, with BP230 deficiency; Hereditary sensory and autonomic neuropathy type 6. Last evaluated: 2022-09-07. Review status: criteria provided, single submitter. Criteria: Invitae Variant Classification Sherloc (09022015). Collection method: clinical testing. Allele origin: germline.
Comment: The DST gene has multiple clinically relevant transcripts. This variant occurs in alternate transcript NM_015548.4, and corresponds to NM_001723.5:c.*62214G>C in the primary transcript. This sequence change replaces glutamic acid, which is acidic and polar, with aspartic acid, which is acidic and polar, at codon 2540 of the DST protein (p.Glu2540Asp). This variant is present in population databases (rs186788522, gnomAD 0.02%). This variant has not been reported in the literature in individuals affected with DST-related conditions. Experimental studies and prediction algorithms are not available or were not evaluated, and the functional significance of this variant is currently unknown. In summary, the available evidence is currently insufficient to determine the role of this variant in disease. Therefore, it has been classified as a Variant of Uncertain Significance.

Ambry Genetics
Classification: Likely benign for Inborn genetic diseases. Last evaluated: 2021-08-06. Review status: criteria provided, single submitter. Criteria: Ambry Variant Classification Scheme 2023. Collection method: clinical testing. Allele origin: germline.

NM_001374736.1(DST):c.15489G>C (p.Glu5163Asp)

Gene: DST (dystonin; minus strand). Cytogenetic location: 6p12.1.
Variant type: single nucleotide variant.
Coding change: c.15489G>C on transcript NM_001374736.1 (MANE Select); coding-DNA position 15489, G replaced by C.
Protein change: p.Glu5163Asp; replaces glutamic acid 5163 with aspartic acid.
Molecular consequence: missense variant.
Genome position (GRCh38, 1-based): chr6:56,553,303, C>G on the plus strand (G>C on the coding strand, the complement: DST is on the minus strand). VCF-style: chr6-56553303-C-G. GRCh37 (hg19) VCF-style: chr6-56418101-C-G.
Other names: c.9132G>C, p.Glu3044Asp (NM_001144769.5); c.8718G>C, p.Glu2906Asp (NM_001144770.2); c.15489G>C, p.Glu5163Asp (NM_001374722.1); c.14856G>C, p.Glu4952Asp (NM_001374729.1); c.8598G>C, p.Glu2866Asp (NM_001374730.1, NM_001386100.1, NM_183380.4); c.15516G>C, p.Glu5172Asp (NM_001374734.1); c.7620G>C, p.Glu2540Asp (NM_015548.5); short protein forms E2866D, E2906D, E4952D, E5163D, E2540D, E3044D, E5172D.
Identifiers: ClinVar variation 1400900 (VCV001400900.5), dbSNP rs186788522, ClinGen allele CA3867814.